The following is an entry in ClinVar:

ClinVar aggregate classification (germline): Uncertain significance (1 of 4 stars; one submission).

Conditions:
Hereditary cancer-predisposing syndrome. Also called: Hereditary Cancer Syndrome; Tumor predisposition; Hereditary neoplastic syndrome; Neoplastic Syndromes, Hereditary. Identifiers: Orphanet 140162, MedGen C0027672, MeSH D009386, MONDO:0015356.

Submission:

Ambry Genetics
Classification: Uncertain significance for Hereditary cancer-predisposing syndrome. Last evaluated: 2024-12-02. Review status: criteria provided, single submitter. Criteria: Ambry Variant Classification Scheme 2023. Collection method: clinical testing. Allele origin: germline.
Comment: The p.P390S variant (also known as c.1168C>T), located in coding exon 7 of the MEN1 gene, results from a C to T substitution at nucleotide position 1168. The proline at codon 390 is replaced by serine, an amino acid with similar properties. This amino acid position is conserved. In addition, the in silico prediction for this alteration is inconclusive. Based on the available evidence, the clinical significance of this variant remains unclear.

NM_001370259.2(MEN1):c.1168C>T (p.Pro390Ser)

Gene: MEN1 (menin 1; minus strand). Cytogenetic location: 11q13.1.
Variant type: single nucleotide variant.
Coding change: c.1168C>T on transcript NM_001370259.2 (MANE Select); coding-DNA position 1168, C replaced by T.
Protein change: p.Pro390Ser; replaces proline 390 with serine.
Molecular consequence: missense variant. On other transcripts: non-coding transcript variant (4).
Genome position (GRCh38, 1-based): chr11:64,805,652, G>A on the plus strand (C>T on the coding strand, the complement: MEN1 is on the minus strand). VCF-style: chr11-64805652-G-A. GRCh37 (hg19) VCF-style: chr11-64573124-G-A.
Other names: c.1189C>T, p.Pro397Ser (NM_001407151.1); c.1168C>T, p.Pro390Ser (NM_001407152.1, NM_130799.3, NM_001370260.2 and 3 more transcripts); c.1183C>T, p.Pro395Ser (NM_130800.3, NM_130801.3, NM_130802.3 and 4 more transcripts); c.1294C>T, p.Pro432Ser (NM_001370251.2, NM_001407142.1, NM_001407143.1 and 1 more transcripts); c.1063C>T, p.Pro355Ser (NM_001370262.2, NM_001370263.2, NM_001407148.1 and 1 more transcripts); c.1309C>T, p.Pro437Ser (NM_001407150.1); short protein forms P355S, P395S, P432S, P437S, P390S, P397S.
Identifiers: ClinVar variation 3394939 (VCV003394939.1).